The following is an entry in ClinVar:

ClinVar aggregate classification (germline): Uncertain significance (1 of 4 stars; one submission).

Conditions:
DOCK2 deficiency. Also called: Immunodeficiency 40. Identifiers: Orphanet 447737, MedGen C4225328, MONDO:0014637, OMIM 616433.

Submission:

Labcorp Genetics (formerly Invitae), Labcorp
Classification: Uncertain significance for DOCK2 deficiency. Last evaluated: 2023-10-03. Review status: criteria provided, single submitter. Criteria: Invitae Variant Classification Sherloc (09022015). Collection method: clinical testing. Allele origin: germline.
Comment: This sequence change falls in intron 14 of the DOCK2 gene. It does not directly change the encoded amino acid sequence of the DOCK2 protein. It affects a nucleotide within the consensus splice site. This variant is not present in population databases (gnomAD no frequency). This variant has not been reported in the literature in individuals affected with DOCK2-related conditions. ClinVar contains an entry for this variant (Variation ID: 1009243). Variants that disrupt the consensus splice site are a relatively common cause of aberrant splicing (PMID: 17576681, 9536098). Algorithms developed to predict the effect of sequence changes on RNA splicing suggest that this variant is not likely to affect RNA splicing. In summary, the available evidence is currently insufficient to determine the role of this variant in disease. Therefore, it has been classified as a Variant of Uncertain Significance.

Literature cited by the submitters: PubMed 17576681; PubMed 9536098.

NM_004946.3(DOCK2):c.1384-3C>T

Gene: DOCK2 (dedicator of cytokinesis 2; plus strand). Cytogenetic location: 5q35.1.
Variant type: single nucleotide variant.
Coding change: c.1384-3C>T on transcript NM_004946.3 (MANE Select); 3 bases into the intron before coding-DNA position 1384, C replaced by T.
Molecular consequence: intron variant.
Genome position (GRCh38, 1-based): chr5:169,708,166, C>T. VCF-style: chr5-169708166-C-T. GRCh37 (hg19) VCF-style: chr5-169135170-C-T.
Identifiers: ClinVar variation 1009243 (VCV001009243.6), dbSNP rs1761378905, ClinGen allele CA1600044267.
Genomic context (GRCh38, chr5:169,708,166, plus strand): 5'-TGCACAAGCACAGAAAATGACAATTCTGTAGTCTTTTCCCTCACTTTGTTTTTCTTGGGT[C>T]AGAATGCAATTTGCGTGGGAGCAGGGGACAAGCCCATGAATGAGTATCGCTCCGTTGTGT-3'